The following is an entry in ClinVar:

NM_145290.4(ADGRA3):c.679G>A (p.Gly227Ser)

Gene: ADGRA3 (adhesion G protein-coupled receptor A3; minus strand). Cytogenetic location: 4p15.2.
Variant type: single nucleotide variant.
Coding change: c.679G>A on transcript NM_145290.4 (MANE Select); coding-DNA position 679, G replaced by A.
Protein change: p.Gly227Ser; replaces glycine 227 with serine.
Molecular consequence: missense variant.
Genome position (GRCh38, 1-based): chr4:22,445,000, C>T on the plus strand (G>A on the coding strand, the complement: ADGRA3 is on the minus strand). VCF-style: chr4-22445000-C-T. GRCh37 (hg19) VCF-style: chr4-22446623-C-T.
Other names: c.679G>A (NM_145290.2); short protein forms G227S.
Identifiers: ClinVar variation 1357911 (VCV001357911.7), dbSNP rs762476240, ClinGen allele CA2874180.
Genomic context (GRCh38, chr4:22,445,000, plus strand): 5'-TAAATGCTTTCTCAGTTTGGATTTCTCCCTTACCGCATGTCAACAGCTCCTGCTTCACGC[C>T]TGTGACTGGTTGGGCCTGCAGTGACTTAGGATAAACACACCTGGTATCCCGTACCGTGAT-3'
Protein context (NP_660333.2, residues 217-237): PKSLQAQPVT[Gly227Ser]VKQELLTCDP

ClinVar aggregate classification (germline): Uncertain significance. Review status: criteria provided, multiple submitters, no conflicts (2 of 4 stars). 2 submissions from 2 submitters: Uncertain significance (2). Last evaluated 2025-03-22.

Allele frequency attached by ClinVar (database versions not stated): gnomAD 0.00001; ExAC 0.00002; gnomAD exomes 0.00002 and 0.00003; TOPMed 0.00002.
gnomAD v4.1: 10 of 1,613,518 alleles (0.00062%); highest among the groups gnomAD compares: Admixed American, 0.017%; no homozygotes.

Submissions (2):

Ambry Genetics
Classification: Uncertain significance. Last evaluated: 2025-03-22. Review status: criteria provided, single submitter. Criteria: Ambry Variant Classification Scheme 2023. Collection method: clinical testing. Allele origin: germline.

Labcorp Genetics (formerly Invitae), Labcorp
Classification: Uncertain significance. Last evaluated: 2024-12-23. Review status: criteria provided, single submitter. Criteria: Invitae Variant Classification Sherloc (09022015). Collection method: clinical testing. Allele origin: germline.
Comment: This sequence change replaces glycine, which is neutral and non-polar, with serine, which is neutral and polar, at codon 227 of the ADGRA3 protein (p.Gly227Ser). This variant is present in population databases (rs762476240, gnomAD 0.02%). This variant has not been reported in the literature in individuals affected with ADGRA3-related conditions. ClinVar contains an entry for this variant (Variation ID: 1357911). An algorithm developed to predict the effect of missense changes on protein structure and function (PolyPhen-2) suggests that this variant is likely to be tolerated. In summary, the available evidence is currently insufficient to determine the role of this variant in disease. Therefore, it has been classified as a Variant of Uncertain Significance.